The following is an entry in ClinVar:

ClinVar aggregate classification (germline): Uncertain significance (1 of 4 stars; one submission).

Conditions:
Cardiovascular phenotype. Identifiers: MedGen CN230736.

Allele frequency attached by ClinVar (database versions not stated): TOPMed below 0.00001.

Submission:

Ambry Genetics
Classification: Uncertain significance for Cardiovascular phenotype. Last evaluated: 2025-06-16. Review status: criteria provided, single submitter. Criteria: Ambry Variant Classification Scheme 2023. Collection method: clinical testing. Allele origin: germline.
Comment: The p.E513G variant (also known as c.1538A>G), located in coding exon 8 of the TBX5 gene, results from an A to G substitution at nucleotide position 1538. The glutamic acid at codon 513 is replaced by glycine, an amino acid with similar properties. This amino acid position is conserved. In addition, the in silico prediction for this alteration is inconclusive. Since supporting evidence is limited at this time, the clinical significance of this alteration remains unclear.

NM_181486.4(TBX5):c.1538A>G (p.Glu513Gly)

Gene: TBX5 (T-box transcription factor 5; minus strand). Cytogenetic location: 12q24.21.
Variant type: single nucleotide variant.
Coding change: c.1538A>G on transcript NM_181486.4 (MANE Select); coding-DNA position 1538, A replaced by G.
Protein change: p.Glu513Gly; replaces glutamic acid 513 with glycine.
Molecular consequence: missense variant.
Genome position (GRCh38, 1-based): chr12:114,355,551, T>C on the plus strand (A>G on the coding strand, the complement: TBX5 is on the minus strand). VCF-style: chr12-114355551-T-C. GRCh37 (hg19) VCF-style: chr12-114793356-T-C.
Other names: c.1538A>G, p.Glu513Gly (NM_000192.3); c.1388A>G, p.Glu463Gly (NM_080717.4); short protein forms E513G, E463G.
Identifiers: ClinVar variation 1774751 (VCV001774751.3), dbSNP rs1868836414, ClinGen allele CA386924854.